The following is an entry in ClinVar:

ClinVar aggregate classification (germline): Uncertain significance (1 of 4 stars; one submission).

Conditions:
Arginine:glycine amidinotransferase deficiency (CCDS3). Also called: Cerebral creatine deficiency syndrome 3; L-Arginine:Glycine Amidinotransferase (AGAT) Deficiency; AGAT deficiency; L-Arginine:Glycine Amidinotransferase Deficiency; Creatine deficiency syndrome due to AGAT deficiency; GATM deficiency. Identifiers: Orphanet 35704, MedGen C2675179, MONDO:0012996, OMIM 612718.

Allele frequency attached by ClinVar (database versions not stated): gnomAD exomes below 0.00001.

Submission:

Labcorp Genetics (formerly Invitae), Labcorp
Classification: Uncertain significance for Arginine:glycine amidinotransferase deficiency. Last evaluated: 2025-12-22. Review status: criteria provided, single submitter. Criteria: Invitae Variant Classification Sherloc (09022015). Collection method: clinical testing. Allele origin: germline.
Comment: This sequence change replaces alanine, which is neutral and non-polar, with threonine, which is neutral and polar, at codon 42 of the GATM protein (p.Ala42Thr). This variant is not present in population databases (gnomAD no frequency). This variant has not been reported in the literature in individuals affected with GATM-related conditions. ClinVar contains an entry for this variant (Variation ID: 2075540). Invitae Evidence Modeling of protein sequence and biophysical properties (such as structural, functional, and spatial information, amino acid conservation, physicochemical variation, residue mobility, and thermodynamic stability) indicates that this missense variant is not expected to disrupt GATM protein function with a negative predictive value of 95%. In summary, the available evidence is currently insufficient to determine the role of this variant in disease. Therefore, it has been classified as a Variant of Uncertain Significance.

NM_001482.3(GATM):c.124G>A (p.Ala42Thr)

Gene: GATM (glycine amidinotransferase; minus strand). Cytogenetic location: 15q21.1.
Variant type: single nucleotide variant.
Coding change: c.124G>A on transcript NM_001482.3 (MANE Select); coding-DNA position 124, G replaced by A.
Protein change: p.Ala42Thr; replaces alanine 42 with threonine.
Molecular consequence: missense variant. On other transcripts: 5 prime UTR variant (1).
Genome position (GRCh38, 1-based): chr15:45,376,765, C>T on the plus strand (G>A on the coding strand, the complement: GATM is on the minus strand). VCF-style: chr15-45376765-C-T. GRCh37 (hg19) VCF-style: chr15-45668963-C-T.
Other names: c.-264G>A (NM_001321015.2); short protein forms A42T.
Identifiers: ClinVar variation 2075540 (VCV002075540.4), dbSNP rs1889644323, ClinGen allele CA392265684.